The following is an entry in ClinVar:

NM_007294.4(BRCA1):c.4453_4474del (p.Thr1485fs)

Gene: BRCA1 (BRCA1 DNA repair associated; minus strand). Cytogenetic location: 17q21.31.
Variant type: Deletion.
Coding change: c.4453_4474del on transcript NM_007294.4 (MANE Select); coding-DNA positions 4453 to 4474, 22 bases deleted (ACCAGTAAAAATAAAGAACCAG).
Protein change: p.Thr1485fs; shifts the reading frame from threonine 1485.
Molecular consequence: frameshift variant. On other transcripts: non-coding transcript variant (1).
Genome position (GRCh38, 1-based): chr17:43,076,498-43,076,519, CTGGTTCTTTATTTTTACTGGT deleted on the plus strand (ACCAGTAAAAATAAAGAACCAG on the coding strand, the reverse complement: BRCA1 is on the minus strand). VCF-style (leftmost placement, unchanged base first): chr17-43076497-CCTGGTTCTTTATTTTTACTGGT-C. GRCh37 (hg19) VCF-style: chr17-41228514-CCTGGTTCTTTATTTTTACTGGT-C.
Other names: 4572del22; c.4114_4135del22, p.Thr1372Glufs (NM_001407958.1, NM_001407956.1, NM_001407957.1); c.4072_4093del22, p.Thr1358Glufs (NM_001407959.1); c.4069_4090del22, p.Thr1357Glufs (NM_001407960.1, NM_001407962.1); c.4066_4087del22, p.Thr1356Glufs (NM_001407963.1); c.3946_3967del22, p.Thr1316Glufs (NM_001407965.1); c.3565_3586del22, p.Thr1189Glufs (NM_001407966.1); c.3562_3583del22, p.Thr1188Glufs (NM_001407967.1); and 72 more; short protein forms T1438fs, T1485fs, T1506fs, T381fs.
Identifiers: ClinVar variation 266477 (VCV000266477.6), dbSNP rs886040232, ClinGen allele CA10589662.
Genomic context (GRCh38, chr17:43,076,497, plus strand): 5'-TATAAATAAAGATGTCAGATACCACAGCATCTTTACATTGATGTTTCTTACCTTTCCACT[CCTGGTTCTTTATTTTTACTGGT>C]AGAACTATCTGCAGACACCTCAAACTTGTCAGCAGAAAGGCCTTCTGGATTCTGGCTTAT-3'

ClinVar aggregate classification (germline): Pathogenic. Review status: reviewed by expert panel (3 of 4 stars). 3 submissions from 3 submitters: Pathogenic (1). 2 of the submissions do not count toward it. Last evaluated 2016-10-18.

Conditions:
Hereditary breast ovarian cancer syndrome. Also called: Hereditary breast and ovarian cancer syndrome (HBOC); Breast and ovarian cancer; Hereditary breast and ovarian cancer syndrome; Hereditary breast and ovarian cancer; BRCA1- and BRCA2-Associated Hereditary Breast and Ovarian Cancer; Hereditary breast and/or ovarian cancer syndrome. Identifiers: Orphanet 145, MedGen C0677776, MeSH D061325, MONDO:0003582. Disease mechanism: loss of function.
Breast-ovarian cancer, familial, susceptibility to, 1 (BROVCA1). Also called: BRCA1 Hereditary Breast and Ovarian Cancer; OVARIAN CANCER, SUSCEPTIBILITY TO. Identifiers: Orphanet 145, MedGen C2676676, MONDO:0011450, OMIM 604370. Disease mechanism: loss of function.

Submissions (3):

Evidence-based Network for the Interpretation of Germline Mutant Alleles (ENIGMA)
Classification: Pathogenic for Breast-ovarian cancer, familial, susceptibility to, 1. Last evaluated: 2016-10-18. Review status: reviewed by expert panel. Criteria: ENIGMA BRCA1/2 Classification Criteria (2015). Collection method: curation. Allele origin: germline.
Comment: Variant allele predicted to encode a truncated non-functional protein.

Consortium of Investigators of Modifiers of BRCA1/2 (CIMBA), c/o University of Cambridge
Classification: Pathogenic for Breast-ovarian cancer, familial, susceptibility to, 1. Last evaluated: 2015-10-02. Review status: criteria provided, single submitter. Criteria: CIMBA Mutation Classification guidelines May 2016. Collection method: clinical testing. Allele origin: germline. Not counted in ClinVar's aggregate classification.

Research Molecular Genetics Laboratory, Women's College Hospital, University of Toronto
Classification: Pathogenic for Hereditary breast ovarian cancer syndrome. Last evaluated: 2014-01-31. Review status: no assertion criteria provided. Collection method: research. Allele origin: germline. Affected: yes. Study: The Canadian Open Genetics Repository (COGR). Not counted in ClinVar's aggregate classification.